The following is an entry in ClinVar:

NM_001199107.2(TBC1D24):c.151C>T (p.Arg51Trp)

Gene: TBC1D24 (TBC1 domain family member 24; plus strand). Cytogenetic location: 16p13.3.
Variant type: single nucleotide variant.
Coding change: c.151C>T on transcript NM_001199107.2 (MANE Select); coding-DNA position 151, C replaced by T.
Protein change: p.Arg51Trp; replaces arginine 51 with tryptophan.
Molecular consequence: missense variant.
Genome position (GRCh38, 1-based): chr16:2,496,299, C>T. VCF-style: chr16-2496299-C-T. GRCh37 (hg19) VCF-style: chr16-2546300-C-T.
Other names: c.151C>T, p.Arg51Trp (NM_020705.3); c.151C>T (NM_001199107.1); short protein forms R51W.
Identifiers: ClinVar variation 318612 (VCV000318612.12), dbSNP rs886051844, ClinGen allele CA10648174.

ClinVar aggregate classification (germline): Uncertain significance. Review status: criteria provided, multiple submitters, no conflicts (2 of 4 stars). 4 submissions from 4 submitters: Uncertain significance (4). Last evaluated 2024-05-21.

Conditions:
Developmental and epileptic encephalopathy, 1 (DEE1). Also called: Epileptic encephalopathy, early infantile, 1; X-linked infantile spasms; West's syndrome; Tonic spasms with clustering, arrest of psychomotor development and hypsarrhythmia on EEG; X-Linked Infantile Spasm Syndrome; OHTAHARA SYNDROME, X-LINKED. Identifiers: MedGen C3463992, MONDO:0010632, OMIM 308350. Disease mechanism: loss of function.
Autosomal dominant nonsyndromic hearing loss 65. Also called: TBC1D24-Related Autosomal Dominant Nonsyndromic Hearing Loss (DFNA); Deafness, autosomal dominant 65. Identifiers: Orphanet 90635, MedGen C3892048, MONDO:0014470, OMIM 616044.
Familial infantile myoclonic epilepsy (FIME). Also called: Epilepsy, Myoclonic, Infantile; TBC1D24-Related Familial Infantile Myoclonic Epilepsy (FIME). Identifiers: Orphanet 352582, MedGen C0917800, MONDO:0011506, OMIM 605021.

Allele frequency attached by ClinVar (database versions not stated): gnomAD exomes 0.00001; TOPMed 0.00002.
gnomAD v4.1: 10 of 1,613,678 alleles (0.00062%); highest among the groups gnomAD compares: Admixed American, 0.0017%; no homozygotes.

Submissions (4):

Labcorp Genetics (formerly Invitae), Labcorp
Classification: Uncertain significance for Developmental and epileptic encephalopathy, 1; Autosomal dominant nonsyndromic hearing loss 65. Last evaluated: 2024-05-21. Review status: criteria provided, single submitter. Criteria: Invitae Variant Classification Sherloc (09022015). Collection method: clinical testing. Allele origin: germline.
Comment: This sequence change replaces arginine, which is basic and polar, with tryptophan, which is neutral and slightly polar, at codon 51 of the TBC1D24 protein (p.Arg51Trp). This variant is present in population databases (no rsID available, gnomAD 0.003%). This missense change has been observed in individual(s) with clinical features of autosomal recessive TBC1D24-related disorders (PMID: 30180405, 31112829). ClinVar contains an entry for this variant (Variation ID: 318612). Advanced modeling of protein sequence and biophysical properties (such as structural, functional, and spatial information, amino acid conservation, physicochemical variation, residue mobility, and thermodynamic stability) performed at Invitae indicates that this missense variant is expected to disrupt TBC1D24 protein function with a positive predictive value of 80%. In summary, the available evidence is currently insufficient to determine the role of this variant in disease. Therefore, it has been classified as a Variant of Uncertain Significance.

GeneDx
Classification: Uncertain significance. Last evaluated: 2024-03-12. Review status: criteria provided, single submitter. Criteria: GeneDx Variant Classification Process June 2021. Collection method: clinical testing. Allele origin: germline. Affected: yes.
Comment: In silico analysis supports that this missense variant has a deleterious effect on protein structure/function; This variant is associated with the following publications: (PMID: 30180405, 32579932, 28539123, 31112829, 32169601)

Revvity Omics, Revvity
Classification: Uncertain significance. Last evaluated: 2021-12-20. Review status: criteria provided, single submitter. Criteria: ACMG Guidelines, 2015. Collection method: clinical testing. Allele origin: germline.

Illumina Laboratory Services, Illumina
Classification: Uncertain significance for Familial infantile myoclonic epilepsy. Last evaluated: 2018-01-13. Review status: criteria provided, single submitter. Criteria: ICSL Variant Classification Criteria 13 December 2019. Collection method: clinical testing. Allele origin: germline.

Literature cited by the submitters: PubMed 30180405 (cited by Labcorp Genetics (formerly Invitae), Labcorp); PubMed 31112829 (cited by Labcorp Genetics (formerly Invitae), Labcorp).